The following is an entry in ClinVar:

ClinVar aggregate classification (germline): Uncertain significance (1 of 4 stars; one submission).

Allele frequency attached by ClinVar (database versions not stated): gnomAD exomes below 0.00001.
gnomAD v4.1: 1 of 1,613,898 alleles (0.000062%); highest among the groups gnomAD compares: Non-Finnish European, 0.000085%; no homozygotes.

Submission:

Labcorp Genetics (formerly Invitae), Labcorp
Classification: Uncertain significance. Last evaluated: 2022-09-13. Review status: criteria provided, single submitter. Criteria: Invitae Variant Classification Sherloc (09022015). Collection method: clinical testing. Allele origin: germline.
Comment: This variant has not been reported in the literature in individuals affected with USH2A-related conditions. Advanced modeling of protein sequence and biophysical properties (such as structural, functional, and spatial information, amino acid conservation, physicochemical variation, residue mobility, and thermodynamic stability) performed at Invitae indicates that this missense variant is not expected to disrupt USH2A protein function. ClinVar contains an entry for this variant (Variation ID: 1376561). In summary, the available evidence is currently insufficient to determine the role of this variant in disease. Therefore, it has been classified as a Variant of Uncertain Significance. This sequence change replaces leucine, which is neutral and non-polar, with isoleucine, which is neutral and non-polar, at codon 4981 of the USH2A protein (p.Leu4981Ile). This variant is not present in population databases (gnomAD no frequency).

NM_206933.4(USH2A):c.14941C>A (p.Leu4981Ile)

Gene: USH2A (usherin; minus strand). Cytogenetic location: 1q41.
Variant type: single nucleotide variant.
Coding change: c.14941C>A on transcript NM_206933.4 (MANE Select); coding-DNA position 14941, C replaced by A.
Protein change: p.Leu4981Ile; replaces leucine 4981 with isoleucine.
Molecular consequence: missense variant.
Genome position (GRCh38, 1-based): chr1:215,640,585, G>T on the plus strand (C>A on the coding strand, the complement: USH2A is on the minus strand). VCF-style: chr1-215640585-G-T. GRCh37 (hg19) VCF-style: chr1-215813927-G-T.
Other names: short protein forms L4981I.
Identifiers: ClinVar variation 1376561 (VCV001376561.6), dbSNP rs2102635897, ClinGen allele CA344827664.
Genomic context (GRCh38, chr1:215,640,585, plus strand): 5'-TTCCACACTGAGAAACAGGAGTCAGAAACTAACTTTTGTCCGCCGTTCTCGGTATGTAGA[G>T]GGTGGTGTCCAAGCCGCTGTACACGCGTCGCCCTCCGTCGGTTAACACGTACTCCTTCAG-3'
Protein context (NP_996816.3, residues 4971-4991): RRVYSGLDTT[Leu4981Ile]YIPRTADKTF